The following is an entry in ClinVar:

ClinVar aggregate classification (germline): Uncertain significance. Review status: criteria provided, multiple submitters, no conflicts (2 of 4 stars). 2 submissions from 2 submitters: Uncertain significance (2). Last evaluated 2025-08-08.

Conditions:
Inborn genetic diseases. Identifiers: MedGen C0950123, MeSH D030342.
Leber congenital amaurosis 4 (LCA4). Identifiers: MedGen C1858386, MONDO:0011458, OMIM 604393.

Allele frequency attached by ClinVar (database versions not stated): gnomAD exomes below 0.00001.
gnomAD v4.1: 1 of 1,613,796 alleles (0.000062%); highest among the groups gnomAD compares: African/African-American, 0.0013%; no homozygotes.

Submissions (2):

Ambry Genetics
Classification: Uncertain significance for Inborn genetic diseases. Last evaluated: 2025-08-08. Review status: criteria provided, single submitter. Criteria: Ambry Variant Classification Scheme 2023. Collection method: clinical testing. Allele origin: germline.

Labcorp Genetics (formerly Invitae), Labcorp
Classification: Uncertain significance for Leber congenital amaurosis 4. Last evaluated: 2022-09-01. Review status: criteria provided, single submitter. Criteria: Invitae Variant Classification Sherloc (09022015). Collection method: clinical testing. Allele origin: germline.
Comment: This variant has not been reported in the literature in individuals affected with AIPL1-related conditions. In summary, the available evidence is currently insufficient to determine the role of this variant in disease. Therefore, it has been classified as a Variant of Uncertain Significance. Algorithms developed to predict the effect of missense changes on protein structure and function (SIFT, PolyPhen-2, Align-GVGD) all suggest that this variant is likely to be disruptive. ClinVar contains an entry for this variant (Variation ID: 958626). This variant is not present in population databases (gnomAD no frequency). This sequence change replaces histidine, which is basic and polar, with arginine, which is basic and polar, at codon 119 of the AIPL1 protein (p.His119Arg).

NM_014336.5(AIPL1):c.356A>G (p.His119Arg)

Gene: AIPL1 (AIP like 1 HSP90 co-chaperone; minus strand). Cytogenetic location: 17p13.2.
Variant type: single nucleotide variant.
Coding change: c.356A>G on transcript NM_014336.5 (MANE Select); coding-DNA position 356, A replaced by G.
Protein change: p.His119Arg; replaces histidine 119 with arginine.
Molecular consequence: missense variant. On other transcripts: intron variant (1).
Genome position (GRCh38, 1-based): chr17:6,428,427, T>C on the plus strand (A>G on the coding strand, the complement: AIPL1 is on the minus strand). VCF-style: chr17-6428427-T-C. GRCh37 (hg19) VCF-style: chr17-6331747-T-C.
Other names: c.176A>G, p.His59Arg (NM_001033055.3); c.320A>G, p.His107Arg (NM_001285399.3); c.290A>G, p.His97Arg (NM_001285400.3); c.356A>G, p.His119Arg (NM_001285401.3, NM_001285403.4); c.239A>G, p.His80Arg (NM_001285402.2); c.277-1370A>G (NM_001033054.3); c.356A>G (NM_014336.3); short protein forms H97R, H119R, H80R, H107R, H59R.
Identifiers: ClinVar variation 958626 (VCV000958626.10), dbSNP rs1912223301, ClinGen allele CA397396394.
Genomic context (GRCh38, chr17:6,428,427, plus strand): 5'-TCGTCCAGGTCCTCGTAGCCCAGCGTGTGGTAGGCGAACATGTTGGCCAGCCCGCACGTG[T>C]GCACGTGCCACTCTGTGGGGTCCTTGCCCTGGGCCATCTGCCTCAGGCTCCGGGATAGGA-3'
Protein context (NP_055151.3, residues 109-129): QGKDPTEWHV[His119Arg]TCGLANMFAY